The following is an entry in ClinVar:

ClinVar aggregate classification (germline): Uncertain significance (1 of 4 stars; one submission).

Allele frequency attached by ClinVar (database versions not stated): gnomAD exomes below 0.00001; TOPMed 0.00002.

Submission:

Labcorp Genetics (formerly Invitae), Labcorp
Classification: Uncertain significance. Last evaluated: 2022-11-16. Review status: criteria provided, single submitter. Criteria: Invitae Variant Classification Sherloc (09022015). Collection method: clinical testing. Allele origin: germline.
Comment: This variant is not present in population databases (gnomAD no frequency). This sequence change replaces lysine, which is basic and polar, with arginine, which is basic and polar, at codon 615 of the ERBB2 protein (p.Lys615Arg). This variant has not been reported in the literature in individuals affected with ERBB2-related conditions. In summary, the available evidence is currently insufficient to determine the role of this variant in disease. Therefore, it has been classified as a Variant of Uncertain Significance. Advanced modeling of protein sequence and biophysical properties (such as structural, functional, and spatial information, amino acid conservation, physicochemical variation, residue mobility, and thermodynamic stability) performed at Invitae indicates that this missense variant is expected to disrupt ERBB2 protein function. ClinVar contains an entry for this variant (Variation ID: 1431605).

NM_004448.4(ERBB2):c.1844A>G (p.Lys615Arg)

Gene: ERBB2 (erb-b2 receptor tyrosine kinase 2; plus strand). Cytogenetic location: 17q12.
Variant type: single nucleotide variant.
Coding change: c.1844A>G on transcript NM_004448.4 (MANE Select); coding-DNA position 1844, A replaced by G.
Protein change: p.Lys615Arg; replaces lysine 615 with arginine.
Molecular consequence: missense variant. On other transcripts: non-coding transcript variant (1), intron variant (1).
Genome position (GRCh38, 1-based): chr17:39,717,426, A>G. VCF-style: chr17-39717426-A-G. GRCh37 (hg19) VCF-style: chr17-37873679-A-G.
Other names: c.1754A>G, p.Lys585Arg (NM_001005862.3, NM_001289938.2, NM_001382782.1 and 1 more transcripts); c.1799A>G, p.Lys600Arg (NM_001289936.2); c.1844A>G, p.Lys615Arg (NM_001289937.2, NM_001382792.1, NM_001382793.1 and 9 more transcripts); c.1961A>G, p.Lys654Arg (NM_001382784.1, NM_001382786.1); c.1946A>G, p.Lys649Arg (NM_001382785.1); c.1919A>G, p.Lys640Arg (NM_001382787.1); c.1874A>G, p.Lys625Arg (NM_001382788.1); c.1865A>G, p.Lys622Arg (NM_001382789.1); and 6 more; short protein forms K529R, K640R, K649R, K585R, K612R, K622R, K339R, K555R.
Identifiers: ClinVar variation 1431605 (VCV001431605.8), dbSNP rs1312573525, ClinGen allele CA399295799.